The following is an entry in ClinVar:

ClinVar aggregate classification (germline): Uncertain significance. Review status: criteria provided, multiple submitters, no conflicts (2 of 4 stars). 2 submissions from 2 submitters: Uncertain significance (2). Last evaluated 2025-08-12.

gnomAD v4.1: 61 of 1,592,658 alleles (0.0038%); highest among the groups gnomAD compares: Non-Finnish European, 0.0047%; no homozygotes.

Submissions (2):

Mayo Clinic Laboratories, Mayo Clinic
Classification: Uncertain significance. Last evaluated: 2025-08-12. Review status: criteria provided, single submitter. Criteria: ACMG Guidelines, 2015. Collection method: clinical testing. Allele origin: germline. Observed: 1 variant allele.
Comment: PM2_supporting

Labcorp Genetics (formerly Invitae), Labcorp
Classification: Uncertain significance. Last evaluated: 2024-04-22. Review status: criteria provided, single submitter. Criteria: Invitae Variant Classification Sherloc (09022015). Collection method: clinical testing. Allele origin: germline.
Comment: This sequence change replaces proline, which is neutral and non-polar, with serine, which is neutral and polar, at codon 187 of the KL protein (p.Pro187Ser). The frequency data for this variant in the population databases is considered unreliable, as metrics indicate poor data quality at this position in the gnomAD database. This variant has not been reported in the literature in individuals affected with KL-related conditions. Advanced modeling of protein sequence and biophysical properties (such as structural, functional, and spatial information, amino acid conservation, physicochemical variation, residue mobility, and thermodynamic stability) performed at Invitae indicates that this missense variant is expected to disrupt KL protein function with a positive predictive value of 80%. In summary, the available evidence is currently insufficient to determine the role of this variant in disease. Therefore, it has been classified as a Variant of Uncertain Significance.

NM_004795.4(KL):c.559C>T (p.Pro187Ser)

Gene: KL (klotho; plus strand). Cytogenetic location: 13q13.1.
Variant type: single nucleotide variant.
Coding change: c.559C>T on transcript NM_004795.4 (MANE Select); coding-DNA position 559, C replaced by T.
Protein change: p.Pro187Ser; replaces proline 187 with serine.
Molecular consequence: missense variant.
Genome position (GRCh38, 1-based): chr13:33,016,999, C>T. VCF-style: chr13-33016999-C-T. GRCh37 (hg19) VCF-style: chr13-33591137-C-T.
Other names: p.Pro187Ser; short protein forms P187S.
Identifiers: ClinVar variation 3608192 (VCV003608192.3).